The following is an entry in ClinVar:

NM_024334.3(TMEM43):c.227G>A (p.Ser76Asn)

Gene: TMEM43 (transmembrane protein 43; plus strand). Cytogenetic location: 3p25.1.
Variant type: single nucleotide variant.
Coding change: c.227G>A on transcript NM_024334.3 (MANE Select); coding-DNA position 227, G replaced by A.
Protein change: p.Ser76Asn; replaces serine 76 with asparagine.
Molecular consequence: missense variant.
Genome position (GRCh38, 1-based): chr3:14,130,886, G>A. VCF-style: chr3-14130886-G-A. GRCh37 (hg19) VCF-style: chr3-14172386-G-A.
Other names: short protein forms S76N.
Identifiers: ClinVar variation 922682 (VCV000922682.11), dbSNP rs144663367, ClinGen allele CA69729014.

ClinVar aggregate classification (germline): Uncertain significance. Review status: criteria provided, multiple submitters, no conflicts (2 of 4 stars). 2 submissions from 2 submitters: Uncertain significance (2). Last evaluated 2025-09-10.

Conditions:
Cardiomyopathy (CMYO). Also called: Cardiomyopathies. Identifiers: Orphanet 167848, MedGen C0878544, MONDO:0004994, HP:0001638. Inheritance: Various modes of inheritance.
Arrhythmogenic right ventricular dysplasia 5. Also called: Arrhythmogenic Right Ventricular Dysplasia/Cardiomyopathy 5; ARRHYTHMOGENIC RIGHT VENTRICULAR DYSPLASIA, FAMILIAL, 5. Identifiers: MedGen C1858379, MONDO:0011459, OMIM 604400.

Allele frequency attached by ClinVar (database versions not stated): ESP Exome Variant Server 0.00008; TOPMed 0.00002; gnomAD exomes 0.00001.
gnomAD v4.1: 3 of 1,613,734 alleles (0.00019%); highest among the groups gnomAD compares: Non-Finnish European, 0.00025%; no homozygotes.

Submissions (2):

Color Diagnostics, LLC DBA Color Health
Classification: Uncertain significance for Cardiomyopathy. Last evaluated: 2025-09-10. Review status: criteria provided, single submitter. Criteria: ACMG Guidelines, 2015. Collection method: clinical testing. Allele origin: germline.
Comment: This missense variant replaces serine with asparagine at codon 76 of the TMEM43 protein. Computational prediction suggests that this variant may not impact protein structure and function. To our knowledge, functional studies have not been reported for this variant. This variant has not been reported in individuals affected with TMEM43-related disorders in the literature. This variant has been identified in 2/251050 chromosomes in the general population by the Genome Aggregation Database (gnomAD). The available evidence is insufficient to determine the role of this variant in disease conclusively. Therefore, this variant is classified as a Variant of Uncertain Significance.

Labcorp Genetics (formerly Invitae), Labcorp
Classification: Uncertain significance for Arrhythmogenic right ventricular dysplasia 5. Last evaluated: 2025-06-29. Review status: criteria provided, single submitter. Criteria: Invitae Variant Classification Sherloc (09022015). Collection method: clinical testing. Allele origin: germline.
Comment: This sequence change replaces serine, which is neutral and polar, with asparagine, which is neutral and polar, at codon 76 of the TMEM43 protein (p.Ser76Asn). This variant is present in population databases (rs144663367, gnomAD 0.002%). This variant has not been reported in the literature in individuals affected with TMEM43-related conditions. ClinVar contains an entry for this variant (Variation ID: 922682). Invitae Evidence Modeling of protein sequence and biophysical properties (such as structural, functional, and spatial information, amino acid conservation, physicochemical variation, residue mobility, and thermodynamic stability) indicates that this missense variant is not expected to disrupt TMEM43 protein function with a negative predictive value of 80%. In summary, the available evidence is currently insufficient to determine the role of this variant in disease. Therefore, it has been classified as a Variant of Uncertain Significance.